The following is an entry in ClinVar:

NM_004531.5(MOCS2):c.507A>G (p.Ile169Met)

Gene: MOCS2 (molybdenum cofactor synthesis 2; minus strand). Cytogenetic location: 5q11.2.
Variant type: single nucleotide variant.
Coding change: c.507A>G on transcript NM_004531.5 (MANE Select); coding-DNA position 507, A replaced by G.
Protein change: p.Ile169Met; replaces isoleucine 169 with methionine.
Molecular consequence: missense variant. On other transcripts: 3 prime UTR variant (1).
Genome position (GRCh38, 1-based): chr5:53,098,662, T>C on the plus strand (A>G on the coding strand, the complement: MOCS2 is on the minus strand). VCF-style: chr5-53098662-T-C. GRCh37 (hg19) VCF-style: chr5-52394492-T-C.
Other names: c.*427A>G (NM_176806.4); c.507A>G, p.Ile169Met (NM_183418.1); short protein forms I169M.
Identifiers: ClinVar variation 2125699 (VCV002125699.4), dbSNP rs1040253480, ClinGen allele CA118884075.

ClinVar aggregate classification (germline): Uncertain significance (1 of 4 stars; one submission).

Allele frequency attached by ClinVar (database versions not stated): gnomAD exomes below 0.00001.
gnomAD v4.1: 1 of 1,613,148 alleles (0.000062%); highest among the groups gnomAD compares: Non-Finnish European, 0.000085%; no homozygotes.

Submission:

Labcorp Genetics (formerly Invitae), Labcorp
Classification: Uncertain significance. Last evaluated: 2025-04-28. Review status: criteria provided, single submitter. Criteria: Invitae Variant Classification Sherloc (09022015). Collection method: clinical testing. Allele origin: germline.
Comment: This sequence change replaces isoleucine, which is neutral and non-polar, with methionine, which is neutral and non-polar, at codon 169 of the MOCS2B protein (p.Ile169Met). This variant is not present in population databases (gnomAD no frequency). This variant has not been reported in the literature in individuals affected with MOCS2B-related conditions. ClinVar contains an entry for this variant (Variation ID: 2125699). An algorithm developed to predict the effect of missense changes on protein structure and function outputs the following: PolyPhen-2: "Benign". The methionine amino acid residue is found in multiple mammalian species, which suggests that this missense change does not adversely affect protein function. In summary, the available evidence is currently insufficient to determine the role of this variant in disease. Therefore, it has been classified as a Variant of Uncertain Significance.